The following is an entry in ClinVar:

ClinVar aggregate classification (germline): Uncertain significance. Review status: criteria provided, multiple submitters, no conflicts (2 of 4 stars). 2 submissions from 2 submitters: Uncertain significance (2). Last evaluated 2025-03-31.

Conditions:
Inborn genetic diseases. Identifiers: MedGen C0950123, MeSH D030342.

Allele frequency attached by ClinVar (database versions not stated): gnomAD exomes below 0.00001 and 0.00001; TOPMed 0.00001.
gnomAD v4.1: 2 of 1,613,916 alleles (0.00012%); highest among the groups gnomAD compares: Admixed American, 0.0033%; no homozygotes.

Submissions (2):

Labcorp Genetics (formerly Invitae), Labcorp
Classification: Uncertain significance. Last evaluated: 2025-03-31. Review status: criteria provided, single submitter. Criteria: Invitae Variant Classification Sherloc (09022015). Collection method: clinical testing. Allele origin: germline.
Comment: This sequence change replaces leucine, which is neutral and non-polar, with arginine, which is basic and polar, at codon 243 of the CABP4 protein (p.Leu243Arg). This variant is present in population databases (no rsID available, gnomAD 0.006%). This variant has not been reported in the literature in individuals affected with CABP4-related conditions. ClinVar contains an entry for this variant (Variation ID: 1444140). Invitae Evidence Modeling of protein sequence and biophysical properties (such as structural, functional, and spatial information, amino acid conservation, physicochemical variation, residue mobility, and thermodynamic stability) indicates that this missense variant is expected to disrupt CABP4 protein function with a positive predictive value of 80%. In summary, the available evidence is currently insufficient to determine the role of this variant in disease. Therefore, it has been classified as a Variant of Uncertain Significance.

Ambry Genetics
Classification: Uncertain significance for Inborn genetic diseases. Last evaluated: 2024-06-02. Review status: criteria provided, single submitter. Criteria: Ambry Variant Classification Scheme 2023. Collection method: clinical testing. Allele origin: germline.

NM_145200.5(CABP4):c.728T>G (p.Leu243Arg)

Gene: CABP4 (calcium binding protein 4; plus strand). Cytogenetic location: 11q13.2.
Variant type: single nucleotide variant.
Coding change: c.728T>G on transcript NM_145200.5 (MANE Select); coding-DNA position 728, T replaced by G.
Protein change: p.Leu243Arg; replaces leucine 243 with arginine.
Molecular consequence: missense variant. On other transcripts: non-coding transcript variant (1).
Genome position (GRCh38, 1-based): chr11:67,458,447, T>G. VCF-style: chr11-67458447-T-G. GRCh37 (hg19) VCF-style: chr11-67225918-T-G.
Other names: c.413T>G, p.Leu138Arg (NM_001300895.3, NM_001300896.3, NM_001379183.1); c.728T>G (NM_145200.3); short protein forms L243R, L138R.
Identifiers: ClinVar variation 1444140 (VCV001444140.10), dbSNP rs1019275658, ClinGen allele CA224144465.
Genomic context (GRCh38, chr11:67,458,447, plus strand): 5'-ATGGACGAATTACGGTGGCGGAGCTGCGGGAGGCGGTACCGGCTCTGCTCGGGGAGCCGC[T>G]GGCGGGTCCTGAGCTGGACGAGATGCTCCGAGAAGTGGACCTCAATGGGGATGGCACCGT-3'
Protein context (NP_660201.1, residues 233-253): EAVPALLGEP[Leu243Arg]AGPELDEMLR